The following is an entry in ClinVar:

ClinVar aggregate classification (germline): Uncertain significance. Review status: criteria provided, multiple submitters, no conflicts (2 of 4 stars). 2 submissions from 2 submitters: Uncertain significance (2). Last evaluated 2024-11-13.

Conditions:
Meckel syndrome, type 5 (MKS5). Identifiers: Orphanet 564, MedGen C1969052, MONDO:0012695, OMIM 611561.
COACH syndrome 3. Identifiers: MedGen C5436841, MONDO:0030862, OMIM 619113.
Joubert syndrome 7 (JBTS7). Identifiers: Orphanet 220497, MedGen C1969053, MONDO:0012694, OMIM 611560.
RPGRIP1L-related disorder. Also called: RPGRIP1L-related condition; RPGRIP1L-related disorders. Identifiers: MedGen CN239416.

gnomAD v4.1: 5 of 1,613,972 alleles (0.00031%); highest among the groups gnomAD compares: African/African-American, 0.0067%; no homozygotes.

Submissions (2):

PreventionGenetics, part of Exact Sciences
Classification: Uncertain significance for RPGRIP1L-related condition. Last evaluated: 2024-11-13. Review status: criteria provided, single submitter. Criteria: ACMG Guidelines, 2015. Collection method: clinical testing. Allele origin: germline.
Comment: The RPGRIP1L c.3890A>G variant is predicted to result in the amino acid substitution p.Glu1297Gly. To our knowledge, this variant has not been reported in the literature. This variant is reported in 0.018% of alleles in individuals of African descent in gnomAD. At this time, the clinical significance of this variant is uncertain due to the absence of conclusive functional and genetic evidence.

Fulgent Genetics
Classification: Uncertain significance for Joubert syndrome 7; Meckel syndrome, type 5; COACH syndrome 3. Last evaluated: 2024-06-11. Review status: criteria provided, single submitter. Criteria: ACMG Guidelines, 2015. Collection method: clinical testing. Allele origin: germline.

NM_015272.5(RPGRIP1L):c.3890A>G (p.Glu1297Gly)

Gene: RPGRIP1L (RPGRIP1 like; minus strand). Cytogenetic location: 16q12.2.
Variant type: single nucleotide variant.
Coding change: c.3890A>G on transcript NM_015272.5 (MANE Select); coding-DNA position 3890, A replaced by G.
Protein change: p.Glu1297Gly; replaces glutamic acid 1297 with glycine.
Molecular consequence: missense variant.
Genome position (GRCh38, 1-based): chr16:53,602,134, T>C on the plus strand (A>G on the coding strand, the complement: RPGRIP1L is on the minus strand). VCF-style: chr16-53602134-T-C. GRCh37 (hg19) VCF-style: chr16-53636046-T-C.
Other names: c.3890A>G (NM_015272.4); c.3650A>G, p.Glu1217Gly (NM_001127897.4); c.3752A>G, p.Glu1251Gly (NM_001308334.3); c.3788A>G, p.Glu1263Gly (NM_001330538.2); short protein forms E1297G, E1217G, E1251G, E1263G.
Identifiers: ClinVar variation 3580801 (VCV003580801.2).
Genomic context (GRCh38, chr16:53,602,134, plus strand): 5'-TTTCAAGCCTCCAAGTCATCTCTGTATTGCTTGTAGACAGACTGGAGGGCATGGAGAGCT[T>C]CGACTGTTACCCTGAGCTTGCCAATACCTTCACCATCTGCTCGTGCATCAAAAACTAGGG-3'
Protein context (NP_056087.2, residues 1287-1307): EGIGKLRVTV[Glu1297Gly]ALHALQSVYK